The following is an entry in ClinVar:

ClinVar aggregate classification (germline): Uncertain significance. Review status: criteria provided, multiple submitters, no conflicts (2 of 4 stars). 2 submissions from 2 submitters: Uncertain significance (2). Last evaluated 2023-08-11.

Allele frequency attached by ClinVar (database versions not stated): TOPMed 0.00007; ESP Exome Variant Server 0.00008.

Submissions (2):

Women's Health and Genetics/Laboratory Corporation of America, LabCorp
Classification: Uncertain significance. Last evaluated: 2023-08-11. Review status: criteria provided, single submitter. Criteria: LabCorp Variant Classification Summary - May 2015. Collection method: clinical testing. Allele origin: germline.
Comment: Variant summary: F13A1 c.1622G>A (p.Arg541Gln) results in a conservative amino acid change located in the Transglutaminase, C-terminal (IPR008958) of the encoded protein sequence. Five of five in-silico tools predict a benign effect of the variant on protein function. The variant allele was found at a frequency of 6e-05 in 251472 control chromosomes (gnomAD). c.1622G>A has been reported in the literature in individuals affected with Factor XIIIA Deficiency without strong evidence of causality (Ivaskevicius_2010, Baz_2021). These reports do not provide unequivocal conclusions about association of the variant with Factor XIIIA Deficiency. At least one publication reports experimental evidence evaluating an impact on protein function, finding no significant difference in Factor XIIIA activity (Thomas_2016). The following publications have been ascertained in the context of this evaluation (PMID: 20179087, 34272389, 27363989). One submitter has cited a clinical-significance assessments for this variant to ClinVar after 2014 and has classified the variant as uncertain significance. Based on the evidence outlined above, the variant was classified as uncertain significance.

GeneDx
Classification: Uncertain significance. Last evaluated: 2019-05-01. Review status: criteria provided, single submitter. Criteria: GeneDx Variant Classification Process June 2021. Collection method: clinical testing. Allele origin: germline. Affected: yes.
Comment: Reported as R540Q using alternate nomenclature in the heterozygous state in an individual with Factor XIII deficiency (Ivaskevicius et al., 2010); Functional studies in expressed cell lysates show no significant difference in the FXIIIA activity between the R541Q variant and wild type (Thomas et al., 2016); In silico analysis, which includes splice predictors, suggests this variant may impact gene splicing. In the absence of RNA/functional studies, the actual effect of this sequence change is unknown.; In silico analysis, which includes protein predictors and evolutionary conservation, supports that this variant does not alter protein structure/function; This variant is associated with the following publications: (PMID: 20179087, 27363989)

Literature cited by the submitters: PubMed 34272389 (cited by Women's Health and Genetics/Laboratory Corporation of America, LabCorp); PubMed 20179087 (cited by Women's Health and Genetics/Laboratory Corporation of America, LabCorp); PubMed 27363989 (cited by Women's Health and Genetics/Laboratory Corporation of America, LabCorp).

NM_000129.4(F13A1):c.1622G>A (p.Arg541Gln)

Gene: F13A1 (coagulation factor XIII A chain; minus strand). Cytogenetic location: 6p25.1.
Variant type: single nucleotide variant.
Coding change: c.1622G>A on transcript NM_000129.4 (MANE Select); coding-DNA position 1622, G replaced by A.
Protein change: p.Arg541Gln; replaces arginine 541 with glutamine.
Molecular consequence: missense variant.
Genome position (GRCh38, 1-based): chr6:6,174,705, C>T on the plus strand (G>A on the coding strand, the complement: F13A1 is on the minus strand). VCF-style: chr6-6174705-C-T. GRCh37 (hg19) VCF-style: chr6-6174938-C-T.
Other names: short protein forms R541Q.
Identifiers: ClinVar variation 1317849 (VCV001317849.3), dbSNP rs367679357, ClinGen allele CA3624296.